The following is an entry in ClinVar:

ClinVar aggregate classification (germline): Uncertain significance (1 of 4 stars; one submission).

Conditions:
Fanconi anemia (FA). Also called: Fanconi's anemia. Identifiers: Orphanet 84, MedGen C0015625, MeSH D005199, MONDO:0019391.

Allele frequency attached by ClinVar (database versions not stated): TOPMed 0.00002; gnomAD 0.00003; gnomAD exomes 0.00004; ExAC 0.00012; 1000 Genomes Project 0.00020; 1000 Genomes Project 30x 0.00031.

Submission:

Labcorp Genetics (formerly Invitae), Labcorp
Classification: Uncertain significance for Fanconi anemia. Last evaluated: 2024-08-05. Review status: criteria provided, single submitter. Criteria: Invitae Variant Classification Sherloc (09022015). Collection method: clinical testing. Allele origin: germline.
Comment: This sequence change replaces glutamic acid, which is acidic and polar, with lysine, which is basic and polar, at codon 695 of the FANCI protein (p.Glu695Lys). This variant is present in population databases (rs535008610, gnomAD 0.05%). This variant has not been reported in the literature in individuals affected with FANCI-related conditions. ClinVar contains an entry for this variant (Variation ID: 2167329). Advanced modeling of protein sequence and biophysical properties (such as structural, functional, and spatial information, amino acid conservation, physicochemical variation, residue mobility, and thermodynamic stability) has been performed at Invitae for this missense variant, however the output from this modeling did not meet the statistical confidence thresholds required to predict the impact of this variant on FANCI protein function. In summary, the available evidence is currently insufficient to determine the role of this variant in disease. Therefore, it has been classified as a Variant of Uncertain Significance.

NM_001113378.2(FANCI):c.2083G>A (p.Glu695Lys)

Gene: FANCI (FA complementation group I; plus strand). Cytogenetic location: 15q26.1.
Variant type: single nucleotide variant.
Coding change: c.2083G>A on transcript NM_001113378.2 (MANE Select); coding-DNA position 2083, G replaced by A.
Protein change: p.Glu695Lys; replaces glutamic acid 695 with lysine.
Molecular consequence: missense variant.
Genome position (GRCh38, 1-based): chr15:89,292,778, G>A. VCF-style: chr15-89292778-G-A. GRCh37 (hg19) VCF-style: chr15-89836009-G-A.
Other names: c.1804G>A, p.Glu602Lys (NM_001376910.1); c.2083G>A, p.Glu695Lys (NM_001376911.1, NM_018193.3); short protein forms E695K, E602K.
Identifiers: ClinVar variation 2167329 (VCV002167329.2), dbSNP rs535008610, ClinGen allele CA7723275.
Genomic context (GRCh38, chr15:89,292,778, plus strand): 5'-TTGGCCTGGTATAAGAATACAGTCATACCCTTACAGCAGGGAGAGGAGGAAGAGGAGGAG[G>A]AAGAGGCATTCTACGAAGACCTAGATGATATATTGGAGTCCATTACTAATAGAATGATTA-3'
Protein context (NP_001106849.1, residues 685-705): LQQGEEEEEE[Glu695Lys]EAFYEDLDDI